The following is an entry in ClinVar:

NM_006267.5(RANBP2):c.1843A>T (p.Ile615Leu)

Gene: RANBP2 (RAN binding protein 2; plus strand). Cytogenetic location: 2q13.
Variant type: single nucleotide variant.
Coding change: c.1843A>T on transcript NM_006267.5 (MANE Select); coding-DNA position 1843, A replaced by T.
Protein change: p.Ile615Leu; replaces isoleucine 615 with leucine.
Molecular consequence: missense variant.
Genome position (GRCh38, 1-based): chr2:108,753,085, A>T. VCF-style: chr2-108753085-A-T. GRCh37 (hg19) VCF-style: chr2-109369541-A-T.
Other names: c.1843A>T, p.Ile615Leu (NM_001415871.1, NM_001415873.1); c.1840A>T, p.Ile614Leu (NM_001415872.1); short protein forms I614L, I615L.
Identifiers: ClinVar variation 2110396 (VCV002110396.4), dbSNP rs769717484, ClinGen allele CA1822454.

ClinVar aggregate classification (germline): Uncertain significance (1 of 4 stars; one submission).

Conditions:
Familial acute necrotizing encephalopathy (IIAE3). Also called: ENCEPHALOPATHY, ACUTE, INFECTION-INDUCED, SUSCEPTIBILITY TO, 3; Susceptibility to Acute Necrotizing Encephalopathy 1. Identifiers: Orphanet 88619, MedGen C2675556, MONDO:0011953, OMIM 608033.

Allele frequency attached by ClinVar (database versions not stated): ExAC 0.00001.

Submission:

Labcorp Genetics (formerly Invitae), Labcorp
Classification: Uncertain significance for Familial acute necrotizing encephalopathy. Last evaluated: 2025-10-05. Review status: criteria provided, single submitter. Criteria: Invitae Variant Classification Sherloc (09022015). Collection method: clinical testing. Allele origin: germline.
Comment: This sequence change replaces isoleucine, which is neutral and non-polar, with leucine, which is neutral and non-polar, at codon 615 of the RANBP2 protein (p.Ile615Leu). This variant is present in population databases (rs769717484, gnomAD 0.007%). This variant has not been reported in the literature in individuals affected with RANBP2-related conditions. ClinVar contains an entry for this variant (Variation ID: 2110396). An algorithm developed to predict the effect of missense changes on protein structure and function (PolyPhen-2) suggests that this variant is likely to be tolerated. In summary, the available evidence is currently insufficient to determine the role of this variant in disease. Therefore, it has been classified as a Variant of Uncertain Significance.